The following is an entry in ClinVar:

NM_206933.4(USH2A):c.12899T>C (p.Leu4300Pro)

Gene: USH2A (usherin; minus strand). Cytogenetic location: 1q41.
Variant type: single nucleotide variant.
Coding change: c.12899T>C on transcript NM_206933.4 (MANE Select); coding-DNA position 12899, T replaced by C.
Protein change: p.Leu4300Pro; replaces leucine 4300 with proline.
Molecular consequence: missense variant.
Genome position (GRCh38, 1-based): chr1:215,675,012, A>G on the plus strand (T>C on the coding strand, the complement: USH2A is on the minus strand). VCF-style: chr1-215675012-A-G. GRCh37 (hg19) VCF-style: chr1-215848354-A-G.
Other names: short protein forms L4300P.
Identifiers: ClinVar variation 2784790 (VCV002784790.3), dbSNP rs1247583532, ClinGen allele CA344848387.

ClinVar aggregate classification (germline): Uncertain significance (1 of 4 stars; one submission).

Allele frequency attached by ClinVar (database versions not stated): TOPMed below 0.00001.

Submission:

Labcorp Genetics (formerly Invitae), Labcorp
Classification: Uncertain significance. Last evaluated: 2023-11-12. Review status: criteria provided, single submitter. Criteria: Invitae Variant Classification Sherloc (09022015). Collection method: clinical testing. Allele origin: germline.
Comment: This sequence change replaces leucine, which is neutral and non-polar, with proline, which is neutral and non-polar, at codon 4300 of the USH2A protein (p.Leu4300Pro). This variant is not present in population databases (gnomAD no frequency). This variant has not been reported in the literature in individuals affected with USH2A-related conditions. Advanced modeling of protein sequence and biophysical properties (such as structural, functional, and spatial information, amino acid conservation, physicochemical variation, residue mobility, and thermodynamic stability) has been performed at Invitae for this missense variant, however the output from this modeling did not meet the statistical confidence thresholds required to predict the impact of this variant on USH2A protein function. In summary, the available evidence is currently insufficient to determine the role of this variant in disease. Therefore, it has been classified as a Variant of Uncertain Significance.